The following is an entry in ClinVar:

NM_017636.4(TRPM4):c.1010G>T (p.Arg337Leu)

Gene: TRPM4 (transient receptor potential cation channel subfamily M member 4; plus strand). Cytogenetic location: 19q13.33.
Variant type: single nucleotide variant.
Coding change: c.1010G>T on transcript NM_017636.4 (MANE Select); coding-DNA position 1010, G replaced by T.
Protein change: p.Arg337Leu; replaces arginine 337 with leucine.
Molecular consequence: missense variant. On other transcripts: 5 prime UTR variant (1).
Genome position (GRCh38, 1-based): chr19:49,171,729, G>T. VCF-style: chr19-49171729-G-T. GRCh37 (hg19) VCF-style: chr19-49674986-G-T.
Other names: c.1010G>T, p.Arg337Leu (NM_001195227.2); c.665G>T, p.Arg222Leu (NM_001321281.2); c.-544G>T (NM_001321282.2); c.488G>T, p.Arg163Leu (NM_001321283.2); c.161G>T, p.Arg54Leu (NM_001321285.2); short protein forms R337L, R54L, R163L, R222L.
Identifiers: ClinVar variation 1468636 (VCV001468636.8), dbSNP rs138718906, ClinGen allele CA406794336.

ClinVar aggregate classification (germline): Uncertain significance (1 of 4 stars; one submission).

Conditions:
Progressive familial heart block type IB (PFHB1B). Identifiers: Orphanet 871, MedGen C1970298, MONDO:0011474, OMIM 604559.

Submission:

Labcorp Genetics (formerly Invitae), Labcorp
Classification: Uncertain significance for Progressive familial heart block type IB. Last evaluated: 2023-09-24. Review status: criteria provided, single submitter. Criteria: Invitae Variant Classification Sherloc (09022015). Collection method: clinical testing. Allele origin: germline.
Comment: This variant has not been reported in the literature in individuals affected with TRPM4-related conditions. In summary, the available evidence is currently insufficient to determine the role of this variant in disease. Therefore, it has been classified as a Variant of Uncertain Significance. An algorithm developed to predict the effect of missense changes on protein structure and function (PolyPhen-2) suggests that this variant is likely to be tolerated. ClinVar contains an entry for this variant (Variation ID: 1468636). This variant is not present in population databases (gnomAD no frequency). This sequence change replaces arginine, which is basic and polar, with leucine, which is neutral and non-polar, at codon 337 of the TRPM4 protein (p.Arg337Leu).